The following is an entry in ClinVar:

ClinVar aggregate classification (germline): Uncertain significance (1 of 4 stars; one submission).

Submission:

GeneDx
Classification: Uncertain significance. Last evaluated: 2019-05-24. Review status: criteria provided, single submitter. Criteria: GeneDx Variant Classification Process June 2021. Collection method: clinical testing. Allele origin: germline. Affected: yes.
Comment: Not observed in large population cohorts (Lek et al., 2016); In silico analysis, which includes protein predictors and evolutionary conservation, supports a deleterious effect; Has not been previously published as pathogenic or benign to our knowledge

NM_001110556.2(FLNA):c.1222A>C (p.Thr408Pro)

Gene: FLNA (filamin A; minus strand). Cytogenetic location: Xq28.
Variant type: single nucleotide variant.
Coding change: c.1222A>C on transcript NM_001110556.2 (MANE Select); coding-DNA position 1222, A replaced by C.
Protein change: p.Thr408Pro; replaces threonine 408 with proline.
Molecular consequence: missense variant.
Genome position (GRCh38, 1-based): chrX:154,366,314, T>G on the plus strand (A>C on the coding strand, the complement: FLNA is on the minus strand). VCF-style: chrX-154366314-T-G. GRCh37 (hg19) VCF-style: chrX-153594682-T-G.
Other names: c.1222A>C, p.Thr408Pro (NM_001456.4); short protein forms T408P.
Identifiers: ClinVar variation 1305758 (VCV001305758.2), dbSNP rs782041563, ClinGen allele CA415244047.
Genomic context (GRCh38, chrX:154,366,314, plus strand): 5'-GCCCCAGTGCGGCTCTCCCCACAGACCAGCTGGGCCTTGGCAGCCTCCCCTCACCTGCCG[T>G]AAAGATCTCAAAGTAGGTGGTCTTGTTGGCGATGTTGCCACTGGGCTCCAGGCCGGGACC-3'
Protein context (NP_001104026.1, residues 398-418): ANKTTYFEIF[Thr408Pro]AGAGTGEVEV